The following is an entry in ClinVar:

NM_001018115.3(FANCD2):c.2971C>T (p.Leu991Phe)

Genes: FANCD2 (FA complementation group D2; plus strand), LOC107303338 (3p25 FANCD2 Alu-mediated recombination region; plus strand). Cytogenetic location: 3p25.3.
Variant type: single nucleotide variant.
Coding change: c.2971C>T on transcript NM_001018115.3 (MANE Select); coding-DNA position 2971, C replaced by T.
Protein change: p.Leu991Phe; replaces leucine 991 with phenylalanine.
Molecular consequence: missense variant.
Genome position (GRCh38, 1-based): chr3:10,078,192, C>T. VCF-style: chr3-10078192-C-T. GRCh37 (hg19) VCF-style: chr3-10119876-C-T.
Other names: c.2971C>T, p.Leu991Phe (NM_001319984.2, NM_001374254.1, NM_033084.6); c.2860C>T, p.Leu954Phe (NM_001374253.1); short protein forms L954F, L991F.
Identifiers: ClinVar variation 2191198 (VCV002191198.1), dbSNP rs1575817874, ClinGen allele CA351746413.
Genomic context (GRCh38, chr3:10,078,192, plus strand): 5'-GATCTCTCCCAGAAGCTGGAGAGTATGCTGACACCTCCTATTGCCAGGAGAGTCCCCTTT[C>T]TCAAGGTTAGTGTAGGCAGAAGCATAGGACTTGGGCATAGTGGATTTGGGAACAAAGGAG-3'
Protein context (NP_001018125.1, residues 981-1001): TPPIARRVPF[Leu991Phe]KNKGSRNIGF

ClinVar aggregate classification (germline): Uncertain significance (1 of 4 stars; one submission).

Conditions:
Fanconi anemia (FA). Also called: Fanconi's anemia. Identifiers: Orphanet 84, MedGen C0015625, MeSH D005199, MONDO:0019391.

Allele frequency attached by ClinVar (database versions not stated): gnomAD exomes below 0.00001.
gnomAD v4.1: 1 of 1,595,960 alleles (0.000063%); highest among the groups gnomAD compares: African/African-American, 0.0013%; no homozygotes.

Submission:

Labcorp Genetics (formerly Invitae), Labcorp
Classification: Uncertain significance for Fanconi anemia. Last evaluated: 2022-04-01. Review status: criteria provided, single submitter. Criteria: Invitae Variant Classification Sherloc (09022015). Collection method: clinical testing. Allele origin: germline.
Comment: This sequence change replaces leucine, which is neutral and non-polar, with phenylalanine, which is neutral and non-polar, at codon 991 of the FANCD2 protein (p.Leu991Phe). This variant is not present in population databases (gnomAD no frequency). This variant has not been reported in the literature in individuals affected with FANCD2-related conditions. Algorithms developed to predict the effect of missense changes on protein structure and function output the following: SIFT: "Tolerated"; PolyPhen-2: "Benign"; Align-GVGD: "Class C0". The phenylalanine amino acid residue is found in multiple mammalian species, which suggests that this missense change does not adversely affect protein function. In summary, the available evidence is currently insufficient to determine the role of this variant in disease. Therefore, it has been classified as a Variant of Uncertain Significance.